The following is an entry in ClinVar:

ClinVar aggregate classification (germline): Conflicting classifications of pathogenicity. Review status: criteria provided, conflicting classifications (1 of 4 stars). 10 submissions from 8 submitters: Uncertain significance (5); Likely benign (3). 2 of the submissions do not count toward it. Last evaluated 2026-01-27.

Conditions:
MYO7A-related disorder. Also called: MYO7A-related disorders.
Usher syndrome type 1 (USH1). Also called: RETINITIS PIGMENTOSA AND CONGENITAL DEAFNESS. Identifiers: Orphanet 231169, Orphanet 886, MedGen C1568247, MONDO:0010168, OMIM 276900.
Autosomal dominant nonsyndromic hearing loss 11. Identifiers: Orphanet 90635, MedGen C1832475, MONDO:0011032, OMIM 601317.
Autosomal recessive nonsyndromic hearing loss 2. Also called: DEAFNESS, AUTOSOMAL RECESSIVE 2; NEUROSENSORY NONSYNDROMIC RECESSIVE DEAFNESS 2. Identifiers: Orphanet 90636, MedGen C1838701, MONDO:0010807, OMIM 600060.
Usher syndrome type 1B (USH1B). Also called: Usher syndrome type IB. Identifiers: MedGen C1848638, MONDO:0700087.
Optic atrophy. Identifiers: MedGen C0029124, MONDO:0003608, HP:0000648.

Allele frequency attached by ClinVar (database versions not stated): gnomAD exomes 0.00008 and 0.00015; ExAC 0.00016; ESP Exome Variant Server 0.00040; gnomAD 0.00058 and 0.00063.
gnomAD v4.1: 206 of 1,613,288 alleles (0.013%); highest among the groups gnomAD compares: African/African-American, 0.25%; no homozygotes.

Submissions (10):

Labcorp Genetics (formerly Invitae), Labcorp
Classification: Likely benign. Last evaluated: 2026-01-27. Review status: criteria provided, single submitter. Criteria: Invitae Variant Classification Sherloc (09022015). Collection method: clinical testing. Allele origin: germline.

GeneDx
Classification: Uncertain significance. Last evaluated: 2025-03-20. Review status: criteria provided, single submitter. Criteria: GeneDx Variant Classification Process June 2021. Collection method: clinical testing. Allele origin: germline. Affected: yes.
Comment: Reported in one individual from a cohort of patients with differences of sex development who also had multiple other variants identified (PMID: 37432935); In silico analysis supports that this missense variant has a deleterious effect on protein structure/function; This variant is associated with the following publications: (PMID: 37432935)

PreventionGenetics, part of Exact Sciences
Classification: Likely benign for MYO7A-related condition. Last evaluated: 2025-02-23. Review status: criteria provided, single submitter. Criteria: ACMG Guidelines, 2015. Collection method: clinical testing. Allele origin: germline.
Comment: This variant is classified as likely benign based on ACMG/AMP sequence variant interpretation guidelines (Richards et al. 2015 PMID: 25741868, with internal and published modifications).

Revvity Omics, Revvity
Classification: Uncertain significance. Last evaluated: 2022-07-27. Review status: criteria provided, single submitter. Criteria: ACMG Guidelines, 2015. Collection method: clinical testing. Allele origin: germline.

Illumina Laboratory Services, Illumina
Classification: Uncertain significance for Usher syndrome type 1. Last evaluated: 2018-01-13. Review status: criteria provided, single submitter. Criteria: ICSL Variant Classification Criteria 13 December 2019. Collection method: clinical testing. Allele origin: germline.

Illumina Laboratory Services, Illumina
Classification: Uncertain significance for Autosomal recessive nonsyndromic hearing loss 2. Last evaluated: 2018-01-13. Review status: criteria provided, single submitter. Criteria: ICSL Variant Classification Criteria 13 December 2019. Collection method: clinical testing. Allele origin: germline.

Illumina Laboratory Services, Illumina
Classification: Likely benign for Autosomal dominant nonsyndromic hearing loss 11. Last evaluated: 2018-01-13. Review status: criteria provided, single submitter. Criteria: ICSL Variant Classification Criteria 13 December 2019. Collection method: clinical testing. Allele origin: germline.
Comment: This variant was observed in the ICSL laboratory as part of a predisposition screen in an ostensibly healthy population. It had not been previously curated by ICSL or reported in the Human Gene Mutation Database (HGMD: prior to June 1st, 2018), and was therefore a candidate for classification through an automated scoring system. Utilizing variant allele frequency, disease prevalence and penetrance estimates, and inheritance mode, an automated score was calculated to assess if this variant is too frequent to cause the disease. Based on the score and internal cut-off values, a variant classified as likely benign is not then subjected to further curation. The score for this variant resulted in a classification of likely benign for this disease.

Laboratory for Molecular Medicine, Mass General Brigham Personalized Medicine
Classification: Uncertain significance. Last evaluated: 2011-01-10. Review status: criteria provided, single submitter. Criteria: LMM Criteria. Collection method: clinical testing. Allele origin: germline. Observed: 1 variant allele.
Comment: The Gly961Asp variant in MYO7A has not been reported in the literature nor previ ously identified by our laboratory. This residue is conserved across mammals and computational analyses (PolyPhen2, SIFT) suggest that the Gly961Asp variant may impact the protein. However, this information is not predictive enough to assum e pathogenicity. In summary, the clinical significance of this variant cannot be determined with certainty at this time.

Institute of Human Genetics, Univ. Regensburg, Univ. Regensburg
Classification: Uncertain significance for Optic atrophy. Last evaluated: 2023-01-01. Review status: no assertion criteria provided. Criteria: ACMG Guidelines, 2015. Collection method: clinical testing. Allele origin: germline. Affected: yes. Not counted in ClinVar's aggregate classification.

Natera, Inc.
Classification: Uncertain significance for Usher syndrome type 1B. Last evaluated: 2020-02-11. Review status: no assertion criteria provided. Collection method: clinical testing. Allele origin: germline. Not counted in ClinVar's aggregate classification.

NM_000260.4(MYO7A):c.2882G>A (p.Gly961Asp)

Gene: MYO7A (myosin VIIA; plus strand). Cytogenetic location: 11q13.5.
Variant type: single nucleotide variant.
Coding change: c.2882G>A on transcript NM_000260.4 (MANE Select); coding-DNA position 2882, G replaced by A.
Protein change: p.Gly961Asp; replaces glycine 961 with aspartic acid.
Molecular consequence: missense variant.
Genome position (GRCh38, 1-based): chr11:77,181,567, G>A. VCF-style: chr11-77181567-G-A. GRCh37 (hg19) VCF-style: chr11-76892613-G-A.
Other names: c.2882G>A, p.Gly961Asp (NM_001127180.2); c.2849G>A, p.Gly950Asp (NM_001369365.1); short protein forms G961D, G950D.
Identifiers: ClinVar variation 43193 (VCV000043193.27), dbSNP rs199575418, ClinGen allele CA132268.
Genomic context (GRCh38, chr11:77,181,567, plus strand): 5'-ACATGGTGGACAAGATGTTTGGCTTCCTGGGGACTTCAGGTGGCCTGCCAGGCCAGGAGG[G>A]CCAGGCACCTAGTGGCTTTGAGGTACCAGGCTAGGGACAGGGGCTCCAGAGGCCCACACA-3'
Protein context (NP_000251.3, residues 951-971): GTSGGLPGQE[Gly961Asp]QAPSGFEDLE